The following is an entry in ClinVar:

ClinVar aggregate classification (germline): Uncertain significance. Review status: criteria provided, multiple submitters, no conflicts (2 of 4 stars). 2 submissions from 2 submitters: Uncertain significance (2). Last evaluated 2025-05-23.

Conditions:
Cerebral folate transport deficiency. Also called: FOLATE RECEPTOR DEFICIENCY; NEURODEGENERATION DUE TO CEREBRAL FOLATE TRANSPORT DEFICIENCY; FOLR1-Related Cerebral Folate Transport Deficiency; Cerebral folate deficiency syndrome; Neurodegenerative syndrome due to cerebral folate transport deficiency. Identifiers: Orphanet 217382, MedGen C2751584, MONDO:0013110, OMIM 613068. Disease mechanism: loss of function.

Allele frequency attached by ClinVar (database versions not stated): gnomAD exomes below 0.00001 and 0.00001; ExAC 0.00001.
gnomAD v4.1: 12 of 1,614,184 alleles (0.00074%); highest among the groups gnomAD compares: South Asian, 0.0044%; no homozygotes.

Submissions (2):

GeneDx
Classification: Uncertain significance. Last evaluated: 2025-05-23. Review status: criteria provided, single submitter. Criteria: GeneDx Variant Classification Process June 2021. Collection method: clinical testing. Allele origin: germline. Affected: yes.
Comment: Not observed at significant frequency in large population cohorts (gnomAD); In silico analysis suggests that this missense variant does not alter protein structure/function; Has not been previously published as pathogenic or benign to our knowledge

Labcorp Genetics (formerly Invitae), Labcorp
Classification: Uncertain significance for Cerebral folate transport deficiency. Last evaluated: 2022-03-23. Review status: criteria provided, single submitter. Criteria: Invitae Variant Classification Sherloc (09022015). Collection method: clinical testing. Allele origin: germline.
Comment: This sequence change replaces arginine, which is basic and polar, with glutamine, which is neutral and polar, at codon 98 of the FOLR1 protein (p.Arg98Gln). This variant is present in population databases (rs764420714, gnomAD 0.0009%). This variant has not been reported in the literature in individuals affected with FOLR1-related conditions. ClinVar contains an entry for this variant (Variation ID: 580422). Algorithms developed to predict the effect of missense changes on protein structure and function output the following: SIFT: "Tolerated"; PolyPhen-2: "Benign"; Align-GVGD: "Class C0". The glutamine amino acid residue is found in multiple mammalian species, which suggests that this missense change does not adversely affect protein function. Algorithms developed to predict the effect of sequence changes on RNA splicing suggest that this variant may create or strengthen a splice site. In summary, the available evidence is currently insufficient to determine the role of this variant in disease. Therefore, it has been classified as a Variant of Uncertain Significance.

NM_016729.3(FOLR1):c.293G>A (p.Arg98Gln)

Genes: FOLR1-AS1 (FOLR1 antisense RNA 1; minus strand), FOLR1 (folate receptor alpha; plus strand). Cytogenetic location: 11q13.4.
Variant type: single nucleotide variant.
Coding change: c.293G>A on transcript NM_016729.3 (MANE Select); coding-DNA position 293, G replaced by A.
Protein change: p.Arg98Gln; replaces arginine 98 with glutamine.
Molecular consequence: missense variant.
Genome position (GRCh38, 1-based): chr11:72,195,395, G>A. VCF-style: chr11-72195395-G-A. GRCh37 (hg19) VCF-style: chr11-71906439-G-A.
Other names: c.293G>A, p.Arg98Gln (NM_000802.3, NM_016724.3, NM_016725.3); short protein forms R98Q.
Identifiers: ClinVar variation 580422 (VCV000580422.7), dbSNP rs764420714, ClinGen allele CA6169149.